The following is an entry in ClinVar:

NM_001384140.1(PCDH15):c.4316C>T (p.Pro1439Leu)

Gene: PCDH15 (protocadherin related 15; minus strand). Cytogenetic location: 10q21.1.
Variant type: single nucleotide variant.
Coding change: c.4316C>T on transcript NM_001384140.1 (MANE Select); coding-DNA position 4316, C replaced by T.
Protein change: p.Pro1439Leu; replaces proline 1439 with leucine.
Molecular consequence: missense variant.
Genome position (GRCh38, 1-based): chr10:53,827,444, G>A on the plus strand (C>T on the coding strand, the complement: PCDH15 is on the minus strand). VCF-style: chr10-53827444-G-A. GRCh37 (hg19) VCF-style: chr10-55587204-G-A.
Other names: c.4331C>T, p.Pro1444Leu (NM_001142763.2, NM_001142771.2); c.4316C>T, p.Pro1439Leu (NM_001142764.2, NM_001142770.3, NM_001142772.2 and 3 more transcripts); c.4103C>T, p.Pro1368Leu (NM_001142765.2); c.4307C>T, p.Pro1436Leu (NM_001142766.2); c.4196C>T, p.Pro1399Leu (NM_001142767.2); c.4250C>T, p.Pro1417Leu (NM_001142768.2, NM_001354404.2); c.4352C>T, p.Pro1451Leu (NM_001142769.4); c.4241C>T, p.Pro1414Leu (NM_001142773.2); and 1 more; short protein forms P1439L, P1368L, P1399L, P1451L, P1417L, P1446L, P1414L, P1436L.
Identifiers: ClinVar variation 426841 (VCV000426841.7), dbSNP rs374714898, ClinGen allele CA5505373.

ClinVar aggregate classification (germline): Uncertain significance. Review status: criteria provided, multiple submitters, no conflicts (2 of 4 stars). 6 submissions from 6 submitters: Uncertain significance (5). 1 of the submissions does not count toward it. Last evaluated 2026-02-26.

Conditions:
PCDH15-related disorder. Also called: PCDH15-related condition; PCDH15-related disorders.
Inborn genetic diseases. Identifiers: MedGen C0950123, MeSH D030342.
Usher syndrome type 1F (USH1F). Also called: USHER SYNDROME, TYPE IF. Identifiers: Orphanet 231169, Orphanet 886, MedGen C1865885, MONDO:0011186, OMIM 602083.

Allele frequency attached by ClinVar (database versions not stated): gnomAD exomes below 0.00001 and 0.00003; ExAC 0.00001; gnomAD 0.00003 and 0.00004; TOPMed 0.00003; ESP Exome Variant Server 0.00008.
gnomAD v4.1: 45 of 1,613,130 alleles (0.0028%); highest among the groups gnomAD compares: Middle Eastern, 0.016%; no homozygotes.

Submissions (6):

PreventionGenetics, part of Exact Sciences
Classification: Uncertain significance for PCDH15-related condition. Last evaluated: 2026-02-26. Review status: criteria provided, single submitter. Criteria: ACMG Guidelines, 2015. Collection method: clinical testing. Allele origin: germline.
Comment: The PCDH15 c.4316C>T variant is predicted to result in the amino acid substitution p.Pro1439Leu. To our knowledge, this variant has not been reported in the literature. This variant is reported in 0.0024% of alleles in individuals of European (Non-Finnish) descent in gnomAD. At this time, the clinical significance of this variant is uncertain due to the absence of conclusive functional and genetic evidence.

Blueprint Genetics
Classification: Uncertain significance. Last evaluated: 2024-08-22. Review status: criteria provided, single submitter. Criteria: ACMG Guidelines, 2015. Collection method: clinical testing. Allele origin: germline.

Labcorp Genetics (formerly Invitae), Labcorp
Classification: Uncertain significance. Last evaluated: 2021-11-05. Review status: criteria provided, single submitter. Criteria: Invitae Variant Classification Sherloc (09022015). Collection method: clinical testing. Allele origin: germline.
Comment: This sequence change replaces proline, which is neutral and non-polar, with leucine, which is neutral and non-polar, at codon 1439 of the PCDH15 protein (p.Pro1439Leu). This variant is present in population databases (rs374714898, gnomAD 0.003%). This variant has not been reported in the literature in individuals affected with PCDH15-related conditions. ClinVar contains an entry for this variant (Variation ID: 426841). Algorithms developed to predict the effect of missense changes on protein structure and function (SIFT, PolyPhen-2, Align-GVGD) all suggest that this variant is likely to be tolerated. In summary, the available evidence is currently insufficient to determine the role of this variant in disease. Therefore, it has been classified as a Variant of Uncertain Significance.

Ambry Genetics
Classification: Uncertain significance for Inborn genetic diseases. Last evaluated: 2021-08-16. Review status: criteria provided, single submitter. Criteria: Ambry Variant Classification Scheme 2023. Collection method: clinical testing. Allele origin: germline.

GeneDx
Classification: Uncertain significance. Last evaluated: 2017-03-31. Review status: criteria provided, single submitter. Criteria: GeneDx Variant Classification (06012015). Collection method: clinical testing. Allele origin: germline. Affected: yes.
Comment: The P1439L variant in the PCDH15 gene has not been reported previously as a pathogenic variant, nor as a benign variant, to our knowledge. The P1439L variant is not observed at a significant frequency in large population cohorts (Lek et al., 2016; 1000 Genomes Consortium et al., 2015; Exome Variant Server). The P1439L variant is a semi-conservative amino acid substitution, which may impact secondary protein structure as these residues differ in some properties. This substitution occurs at a position that is conserved in mammals. In silico analysis is inconsistent in its predictions as to whether or not the variant is damaging to the protein structure/function. We interpret P1439L as a variant of uncertain significance.

Natera, Inc.
Classification: Uncertain significance for Usher syndrome type 1F. Last evaluated: 2020-03-17. Review status: no assertion criteria provided. Collection method: clinical testing. Allele origin: germline. Not counted in ClinVar's aggregate classification.